The following is an entry in ClinVar:

NM_213599.3(ANO5):c.820C>T (p.His274Tyr)

Gene: ANO5 (anoctamin 5; plus strand). Cytogenetic location: 11p14.3.
Variant type: single nucleotide variant.
Coding change: c.820C>T on transcript NM_213599.3 (MANE Select); coding-DNA position 820, C replaced by T.
Protein change: p.His274Tyr; replaces histidine 274 with tyrosine.
Molecular consequence: missense variant.
Genome position (GRCh38, 1-based): chr11:22,239,626, C>T. VCF-style: chr11-22239626-C-T. GRCh37 (hg19) VCF-style: chr11-22261172-C-T.
Other names: c.817C>T, p.His273Tyr (NM_001142649.2); short protein forms H273Y, H274Y.
Identifiers: ClinVar variation 852331 (VCV000852331.10), dbSNP rs758954110, ClinGen allele CA5923043.

ClinVar aggregate classification (germline): Uncertain significance (1 of 4 stars; one submission).

Conditions:
Gnathodiaphyseal dysplasia (GDD). Also called: GNATHODIAPHYSEAL SCLEROSIS; OSTEOGENESIS IMPERFECTA WITH UNUSUAL SKELETAL LESIONS. Identifiers: Orphanet 53697, MedGen C1833736, MONDO:0008151, OMIM 166260.
Autosomal recessive limb-girdle muscular dystrophy type 2L (LGMDR12). Also called: MUSCULAR DYSTROPHY, LIMB-GIRDLE, AUTOSOMAL RECESSIVE 12; Limb-Girdle Muscular Dystrophy R12 Anoctamin-5-Related (LGMD-R12); Limb-girdle muscular dystrophy, type 2L. Identifiers: Orphanet 206549, MedGen C1969785, MONDO:0012652, OMIM 611307.

Allele frequency attached by ClinVar (database versions not stated): ExAC 0.00001; gnomAD 0.00001; gnomAD exomes 0.00001; TOPMed 0.00001.
gnomAD v4.1: 8 of 1,612,924 alleles (0.0005%); highest among the groups gnomAD compares: African/African-American, 0.0013%; no homozygotes.

Submission:

Labcorp Genetics (formerly Invitae), Labcorp
Classification: Uncertain significance for Autosomal recessive limb-girdle muscular dystrophy type 2L; Gnathodiaphyseal dysplasia. Last evaluated: 2022-07-26. Review status: criteria provided, single submitter. Criteria: Invitae Variant Classification Sherloc (09022015). Collection method: clinical testing. Allele origin: germline.
Comment: In summary, the available evidence is currently insufficient to determine the role of this variant in disease. Therefore, it has been classified as a Variant of Uncertain Significance. Advanced modeling of protein sequence and biophysical properties (such as structural, functional, and spatial information, amino acid conservation, physicochemical variation, residue mobility, and thermodynamic stability) performed at Invitae indicates that this missense variant is not expected to disrupt ANO5 protein function. This sequence change replaces histidine, which is basic and polar, with tyrosine, which is neutral and polar, at codon 274 of the ANO5 protein (p.His274Tyr). This variant is present in population databases (rs758954110, gnomAD 0.0009%). This variant has not been reported in the literature in individuals affected with ANO5-related conditions. ClinVar contains an entry for this variant (Variation ID: 852331).